The following is an entry in ClinVar:

NM_198407.2(GHSR):c.96C>G (p.Asp32Glu)

Gene: GHSR (growth hormone secretagogue receptor; minus strand). Cytogenetic location: 3q26.31.
Variant type: single nucleotide variant.
Coding change: c.96C>G on transcript NM_198407.2 (MANE Select); coding-DNA position 96, C replaced by G.
Protein change: p.Asp32Glu; replaces aspartic acid 32 with glutamic acid.
Molecular consequence: missense variant.
Genome position (GRCh38, 1-based): chr3:172,448,318, G>C on the plus strand (C>G on the coding strand, the complement: GHSR is on the minus strand). VCF-style: chr3-172448318-G-C. GRCh37 (hg19) VCF-style: chr3-172166108-G-C.
Other names: c.96C>G, p.Asp32Glu (NM_004122.2); short protein forms D32E.
Identifiers: ClinVar variation 1049115 (VCV001049115.1), dbSNP rs751202593, ClinGen allele CA355516701.
Genomic context (GRCh38, chr3:172,448,318, plus strand): 5'-TGCCACGCAGGTGGCTGTGACGCCCGCCAGCAGCGGCGCGGGGAAGAGCTGCAGCAGCTC[G>C]TCGCCCAGCGAGTCGTTGCCGGGGGAAGCATCCCAGTCCAGGTCGGCCAGTGTGAGGTTG-3'
Protein context (NP_940799.1, residues 22-42): DASPGNDSLG[Asp32Glu]ELLQLFPAPL

ClinVar aggregate classification (germline): Uncertain significance (0 of 4 stars; one submission).

Submission:

Department of Pathology and Laboratory Medicine, Sinai Health System
Classification: Uncertain significance. Review status: no assertion criteria provided. Collection method: clinical testing. Allele origin: unknown. Affected: yes. Study: The Canadian Open Genetics Repository (COGR).
Comment: The GHSR p.Asp32Glu variant was not identified in the literature nor was it identified in dbSNP, ClinVar, LOVD 3.0 or in the following control databases: the 1000 Genomes Project, the NHLBI GO Exome Sequencing Project, or the Genome Aggregation Database (March 6, 2019, v2.1.1). The p.Asp32 residue is conserved in mammals but not in more distantly related organisms however computational analyses (PolyPhen-2, SIFT, AlignGVGD, BLOSUM, MutationTaster) do not suggest a high likelihood of impact to the protein; this information is not predictive enough to rule out pathogenicity. The variant occurs outside of the splicing consensus sequence and in silico or computational prediction software programs (SpliceSiteFinder, MaxEntScan, NNSPLICE, GeneSplicer) do not predict a difference in splicing. In summary, based on the above information the clinical significance of this variant cannot be determined with certainty at this time. This variant is classified as a variant of uncertain significance.